The following is an entry in ClinVar:

ClinVar aggregate classification (germline): Uncertain significance (1 of 4 stars; one submission).

Conditions:
Neurofibromatosis, type 1 (NF1). Also called: VON RECKLINGHAUSEN DISEASE; NEUROFIBROMATOSIS, TYPE I, SOMATIC; Neurofibromatosis, type I; Peripheral type neurofibromatosis. Identifiers: Orphanet 636, MedGen C0027831, MONDO:0018975, OMIM 162200. Disease mechanism: loss of function.

Submission:

Labcorp Genetics (formerly Invitae), Labcorp
Classification: Uncertain significance for Neurofibromatosis, type 1. Last evaluated: 2022-10-06. Review status: criteria provided, single submitter. Criteria: Invitae Variant Classification Sherloc (09022015). Collection method: clinical testing. Allele origin: germline.
Comment: This sequence change falls in intron 4 of the NF1 gene. It does not directly change the encoded amino acid sequence of the NF1 protein. This variant is not present in population databases (gnomAD no frequency). This variant has not been reported in the literature in individuals affected with NF1-related conditions. Algorithms developed to predict the effect of sequence changes on RNA splicing suggest that this variant may disrupt the consensus splice site. In summary, the available evidence is currently insufficient to determine the role of this variant in disease. Therefore, it has been classified as a Variant of Uncertain Significance.

NM_001042492.3(NF1):c.480-6T>G

Gene: NF1 (neurofibromin 1; plus strand). Cytogenetic location: 17q11.2.
Variant type: single nucleotide variant.
Coding change: c.480-6T>G on transcript NM_001042492.3 (MANE Select); 6 bases into the intron before coding-DNA position 480, T replaced by G.
Molecular consequence: intron variant.
Genome position (GRCh38, 1-based): chr17:31,169,885, T>G. VCF-style: chr17-31169885-T-G. GRCh37 (hg19) VCF-style: chr17-29496903-T-G.
Other names: c.480-6T>G (NM_000267.4, NM_001128147.3).
Identifiers: ClinVar variation 2034126 (VCV002034126.4), dbSNP rs1597643699, ClinGen allele CA2580092948.